The following is an entry in ClinVar:

NM_001134407.3(GRIN2A):c.68C>A (p.Pro23Gln)

Gene: GRIN2A (glutamate ionotropic receptor NMDA type subunit 2A; minus strand). Cytogenetic location: 16p13.2.
Variant type: single nucleotide variant.
Coding change: c.68C>A on transcript NM_001134407.3 (MANE Select); coding-DNA position 68, C replaced by A.
Protein change: p.Pro23Gln; replaces proline 23 with glutamine.
Molecular consequence: missense variant.
Genome position (GRCh38, 1-based): chr16:10,180,344, G>T on the plus strand (C>A on the coding strand, the complement: GRIN2A is on the minus strand). VCF-style: chr16-10180344-G-T. GRCh37 (hg19) VCF-style: chr16-10274201-G-T.
Other names: c.68C>A, p.Pro23Gln (NM_000833.5, NM_001134408.2); short protein forms P23Q.
Identifiers: ClinVar variation 1495393 (VCV001495393.6), dbSNP rs969233060, ClinGen allele CA277615988.
Genomic context (GRCh38, chr16:10,180,344, plus strand): 5'-CTGTGACCCAGCATCACCGCAATATTTAGCGCGGGGGGACCCTTCTCCGCCGCCGCGCTC[G>T]GCGCCGGACCGCGCCAGACCAGAAGGGCCGGCAGCACCAGCAGGGTCCAATAGCCCACTC-3'
Protein context (NP_001127879.1, residues 13-33): PALLVWRGPA[Pro23Gln]SAAAEKGPPA

ClinVar aggregate classification (germline): Uncertain significance (1 of 4 stars; one submission).

Conditions:
Landau-Kleffner syndrome (FESD). Also called: EPILEPSY, FOCAL, WITH SPEECH DISORDER AND WITH OR WITHOUT MENTAL RETARDATION; APHASIA, ACQUIRED, WITH EPILEPSY. Identifiers: Orphanet 1945, Orphanet 725, Orphanet 98818, MedGen C0282512, MONDO:0009509, OMIM 245570.

Allele frequency attached by ClinVar (database versions not stated): gnomAD exomes below 0.00001; TOPMed 0.00001.

Submission:

Labcorp Genetics (formerly Invitae), Labcorp
Classification: Uncertain significance for Landau-Kleffner syndrome. Last evaluated: 2021-11-25. Review status: criteria provided, single submitter. Criteria: Invitae Variant Classification Sherloc (09022015). Collection method: clinical testing. Allele origin: germline.
Comment: This sequence change replaces proline, which is neutral and non-polar, with glutamine, which is neutral and polar, at codon 23 of the GRIN2A protein (p.Pro23Gln). This variant is present in population databases (no rsID available, gnomAD 0.003%). This variant has not been reported in the literature in individuals affected with GRIN2A-related conditions. Advanced modeling of protein sequence and biophysical properties (such as structural, functional, and spatial information, amino acid conservation, physicochemical variation, residue mobility, and thermodynamic stability) performed at Invitae indicates that this missense variant is not expected to disrupt GRIN2A protein function. Algorithms developed to predict the effect of sequence changes on RNA splicing suggest that this variant may create or strengthen a splice site. In summary, the available evidence is currently insufficient to determine the role of this variant in disease. Therefore, it has been classified as a Variant of Uncertain Significance.